The following is an entry in ClinVar:

NM_003227.4(TFR2):c.779G>T (p.Arg260Leu)

Gene: TFR2 (transferrin receptor 2; minus strand). Cytogenetic location: 7q22.1.
Variant type: single nucleotide variant.
Coding change: c.779G>T on transcript NM_003227.4 (MANE Select); coding-DNA position 779, G replaced by T.
Protein change: p.Arg260Leu; replaces arginine 260 with leucine.
Molecular consequence: missense variant.
Genome position (GRCh38, 1-based): chr7:100,633,071, C>A on the plus strand (G>T on the coding strand, the complement: TFR2 is on the minus strand). VCF-style: chr7-100633071-C-A. GRCh37 (hg19) VCF-style: chr7-100230694-C-A.
Other names: c.266G>T, p.Arg89Leu (NM_001206855.3); short protein forms R260L, R89L.
Identifiers: ClinVar variation 2657750 (VCV002657750.24), dbSNP rs2486133601, ClinGen allele CA368533929.

ClinVar aggregate classification (germline): Uncertain significance (1 of 4 stars; one submission).

Submission:

CeGaT Center for Human Genetics Tuebingen
Classification: Uncertain significance. Last evaluated: 2023-03-01. Review status: criteria provided, single submitter. Criteria: CeGaT Center For Human Genetics Tuebingen Variant Classification Criteria Version 2. Collection method: clinical testing. Allele origin: germline. Affected: yes. Observed: 1 variant allele.
Comment: TFR2: PM2, BP4